The following is an entry in ClinVar:

NM_000719.7(CACNA1C):c.3978C>T (p.Thr1326=)

Gene: CACNA1C (calcium voltage-gated channel subunit alpha1 C; plus strand). Cytogenetic location: 12p13.33.
Variant type: single nucleotide variant.
Coding change: c.3978C>T on transcript NM_000719.7 (MANE Select); coding-DNA position 3978, C replaced by T.
Protein change: p.Thr1326=; no amino-acid change (threonine 1326 retained).
Molecular consequence: synonymous variant.
Genome position (GRCh38, 1-based): chr12:2,651,672, C>T. VCF-style: chr12-2651672-C-T. GRCh37 (hg19) VCF-style: chr12-2760838-C-T.
Other names: c.4122C>T, p.Thr1374= (NM_001129827.2, NM_199460.4); c.4044C>T, p.Thr1348= (NM_001129829.2); c.3978C>T, p.Thr1326= (NM_001129830.3, NM_001129833.2, NM_001129834.2 and 7 more transcripts); c.4062C>T, p.Thr1354= (NM_001129831.2); c.4038C>T, p.Thr1346= (NM_001129832.2); c.4029C>T, p.Thr1343= (NM_001129836.2); c.3945C>T, p.Thr1315= (NM_001129837.2, NM_001129838.2, NM_001129846.2 and 1 more transcripts); c.3939C>T, p.Thr1313= (NM_001129839.2); and 1 more.
Identifiers: ClinVar variation 383269 (VCV000383269.14), dbSNP rs1022346720, ClinGen allele CA16606586.
Genomic context (GRCh38, chr12:2,651,672, plus strand): 5'-TGCACCTCCTGTTGCCGACGGGTTCCAGAACGCAGAGGAAAACTCCCGCATCTCCATCAC[C>T]TTCTTCCGCCTGTTCCGGGTCATGCGTCTGGTGAAGCTGCTGAGCCGTGGGGAGGGCATC-3'
Protein context (NP_000710.5, residues 1316-1336): NAEENSRISI[Thr1326=]FFRLFRVMRL

ClinVar aggregate classification (germline): Likely benign. Review status: criteria provided, multiple submitters, no conflicts (2 of 4 stars). 3 submissions from 3 submitters: Likely benign (3). Last evaluated 2025-11-25.

Conditions:
Cardiovascular phenotype. Identifiers: MedGen CN230736.
Long QT syndrome (LQTS). Identifiers: MedGen C0023976, MeSH D008133, MONDO:0002442. Disease mechanism: loss of function. Inheritance: Various modes of inheritance.

Allele frequency attached by ClinVar (database versions not stated): gnomAD 0.00001; gnomAD exomes 0.00001; TOPMed 0.00002.
gnomAD v4.1: 10 of 1,613,830 alleles (0.00062%); highest among the groups gnomAD compares: Non-Finnish European, 0.00076%; no homozygotes.

Submissions (3):

Labcorp Genetics (formerly Invitae), Labcorp
Classification: Likely benign for Long QT syndrome. Last evaluated: 2025-11-25. Review status: criteria provided, single submitter. Criteria: Invitae Variant Classification Sherloc (09022015). Collection method: clinical testing. Allele origin: germline.

Ambry Genetics
Classification: Likely benign for Cardiovascular phenotype. Last evaluated: 2020-02-04. Review status: criteria provided, single submitter. Criteria: Ambry Variant Classification Scheme 2023. Collection method: clinical testing. Allele origin: germline.

GeneDx
Classification: Likely benign. Last evaluated: 2016-01-27. Review status: criteria provided, single submitter. Criteria: GeneDx Variant Classification (06012015). Collection method: clinical testing. Allele origin: germline. Affected: yes.
Comment: This variant is considered likely benign or benign based on one or more of the following criteria: it is a conservative change, it occurs at a poorly conserved position in the protein, it is predicted to be benign by multiple in silico algorithms, and/or has population frequency not consistent with disease.